The following is an entry in ClinVar:

ClinVar aggregate classification (germline): Uncertain significance. Review status: criteria provided, single submitter (1 of 4 stars). 2 submissions from 2 submitters: Uncertain significance (1). 1 of the submissions does not count toward it. Last evaluated 2025-10-02.

Conditions:
Nemaline myopathy 2 (NEM2). Also called: Nemaline myopathy 2, autosomal recessive. Identifiers: MedGen C1850569, MONDO:0009725, OMIM 256030.

Allele frequency attached by ClinVar (database versions not stated): gnomAD exomes below 0.00001; TOPMed below 0.00001.
gnomAD v4.1: 6 of 1,612,728 alleles (0.00037%); highest among the groups gnomAD compares: South Asian, 0.0011%; no homozygotes.

Submissions (2):

Labcorp Genetics (formerly Invitae), Labcorp
Classification: Uncertain significance for Nemaline myopathy 2. Last evaluated: 2025-10-02. Review status: criteria provided, single submitter. Criteria: Invitae Variant Classification Sherloc (09022015). Collection method: clinical testing. Allele origin: germline.
Comment: This sequence change replaces lysine, which is basic and polar, with arginine, which is basic and polar, at codon 243 of the NEB protein (p.Lys243Arg). This variant is not present in population databases (gnomAD no frequency). This variant has not been reported in the literature in individuals affected with NEB-related conditions. ClinVar contains an entry for this variant (Variation ID: 1023018). Experimental studies and prediction algorithms are not available or were not evaluated, and the functional significance of this variant is currently unknown. In summary, the available evidence is currently insufficient to determine the role of this variant in disease. Therefore, it has been classified as a Variant of Uncertain Significance.

Natera, Inc.
Classification: Uncertain significance for Nemaline myopathy type 2. Last evaluated: 2020-03-17. Review status: no assertion criteria provided. Collection method: clinical testing. Allele origin: germline. Not counted in ClinVar's aggregate classification.

NM_001164508.2(NEB):c.728A>G (p.Lys243Arg)

Gene: NEB (nebulin; minus strand). Cytogenetic location: 2q23.3.
Variant type: single nucleotide variant.
Coding change: c.728A>G on transcript NM_001164508.2 (MANE Select); coding-DNA position 728, A replaced by G.
Protein change: p.Lys243Arg; replaces lysine 243 with arginine.
Molecular consequence: missense variant.
Genome position (GRCh38, 1-based): chr2:151,717,510, T>C on the plus strand (A>G on the coding strand, the complement: NEB is on the minus strand). VCF-style: chr2-151717510-T-C. GRCh37 (hg19) VCF-style: chr2-152574024-T-C.
Other names: c.728A>G, p.Lys243Arg (NM_001164507.2, NM_001271208.2, NM_004543.5); short protein forms K243R.
Identifiers: ClinVar variation 1023018 (VCV001023018.11), dbSNP rs1031592589, ClinGen allele CA57647698.